The following is an entry in ClinVar:

Single allele

Genes: EVC (EvC ciliary complex subunit 1; plus strand), EVC2 (EvC ciliary complex subunit 2; minus strand), LOC129992141 (ATAC-STARR-seq lymphoblastoid active region 21240; plus strand), LOC129992142 (ATAC-STARR-seq lymphoblastoid active region 21241; plus strand), LOC129992143 (ATAC-STARR-seq lymphoblastoid silent region 15222; plus strand) and 4 more. Cytogenetic location: 4p16.2.
Variant type: Deletion.
Identifiers: ClinVar variation 4820227 (VCV004820227.1).

ClinVar aggregate classification (germline): Pathogenic (1 of 4 stars; one submission).

Conditions:
Ellis-van Creveld syndrome (EVC). Also called: Chondroectodermal dysplasia; MESOECTODERMAL DYSPLASIA. Identifiers: Orphanet 289, MedGen C0013903, MONDO:0009162, OMIM 225500.

Submission:

Mendelics
Classification: Pathogenic for Ellis-van Creveld syndrome. Last evaluated: 2026-03-28. Review status: criteria provided, single submitter. Criteria: ACMG Guidelines, 2015. Collection method: clinical testing. Allele origin: unknown.
Comment: Deletion of gene EVC2.